The following is an entry in ClinVar:

ClinVar aggregate classification (germline): Uncertain significance (1 of 4 stars; one submission).

Conditions:
Neurofibromatosis, type 2 (SWNV). Also called: BILATERAL ACOUSTIC NEUROFIBROMATOSIS; NF2-Related Schwannomatosis; SCHWANNOMATOSIS, VESTIBULAR. Identifiers: Orphanet 637, MedGen C0027832, MONDO:0007039, OMIM 101000. Disease mechanism: loss of function.

Submission:

Labcorp Genetics (formerly Invitae), Labcorp
Classification: Uncertain significance for Neurofibromatosis, type 2. Last evaluated: 2021-10-02. Review status: criteria provided, single submitter. Criteria: Invitae Variant Classification Sherloc (09022015). Collection method: clinical testing. Allele origin: germline.
Comment: In summary, the available evidence is currently insufficient to determine the role of this variant in disease. Therefore, it has been classified as a Variant of Uncertain Significance. Algorithms developed to predict the effect of sequence changes on RNA splicing suggest that this variant may disrupt the consensus splice site. Algorithms developed to predict the effect of missense changes on protein structure and function are either unavailable or do not agree on the potential impact of this missense change (SIFT: "Tolerated"; PolyPhen-2: "Probably Damaging"; Align-GVGD: "Class C15"). This variant has not been reported in the literature in individuals affected with NF2-related conditions. This variant is not present in population databases (ExAC no frequency). This sequence change replaces arginine with glycine at codon 447 of the NF2 protein (p.Arg447Gly). The arginine residue is highly conserved and there is a moderate physicochemical difference between arginine and glycine.

NM_000268.4(NF2):c.1339A>G (p.Arg447Gly)

Gene: NF2 (NF2, moesin-ezrin-radixin like (MERLIN) tumor suppressor; plus strand). Cytogenetic location: 22q12.2.
Variant type: single nucleotide variant.
Coding change: c.1339A>G on transcript NM_000268.4 (MANE Select); coding-DNA position 1339, A replaced by G.
Protein change: p.Arg447Gly; replaces arginine 447 with glycine.
Molecular consequence: missense variant. On other transcripts: non-coding transcript variant (1), intron variant (1).
Genome position (GRCh38, 1-based): chr22:29,673,485, A>G. VCF-style: chr22-29673485-A-G. GRCh37 (hg19) VCF-style: chr22-30069474-A-G.
Other names: c.1339A>G, p.Arg447Gly (NM_016418.5, NM_181825.3, NM_181832.3); c.1213A>G, p.Arg405Gly (NM_181828.3); c.1216A>G, p.Arg406Gly (NM_181829.3); c.1090A>G, p.Arg364Gly (NM_181830.3, NM_181831.3); c.448-21267A>G (NM_181833.3); short protein forms R364G, R405G, R406G, R447G.
Identifiers: ClinVar variation 1384055 (VCV001384055.6), dbSNP rs2147084234, ClinGen allele CA411148736.